The following is an entry in ClinVar:

ClinVar aggregate classification (germline): Uncertain significance. Review status: criteria provided, multiple submitters, no conflicts (2 of 4 stars). 2 submissions from 2 submitters: Uncertain significance (2). Last evaluated 2025-05-19.

Conditions:
Inborn genetic diseases. Identifiers: MedGen C0950123, MeSH D030342.

Allele frequency attached by ClinVar (database versions not stated): ExAC 0.00001.

Submissions (2):

Labcorp Genetics (formerly Invitae), Labcorp
Classification: Uncertain significance. Last evaluated: 2025-05-19. Review status: criteria provided, single submitter. Criteria: Invitae Variant Classification Sherloc (09022015). Collection method: clinical testing. Allele origin: germline.
Comment: This sequence change replaces glutamic acid, which is acidic and polar, with lysine, which is basic and polar, at codon 1516 of the RTTN protein (p.Glu1516Lys). This variant is present in population databases (rs774347125, gnomAD 0.001%). This variant has not been reported in the literature in individuals affected with RTTN-related conditions. ClinVar contains an entry for this variant (Variation ID: 2618806). Invitae Evidence Modeling of protein sequence and biophysical properties (such as structural, functional, and spatial information, amino acid conservation, physicochemical variation, residue mobility, and thermodynamic stability) indicates that this missense variant is not expected to disrupt RTTN protein function with a negative predictive value of 80%. In summary, the available evidence is currently insufficient to determine the role of this variant in disease. Therefore, it has been classified as a Variant of Uncertain Significance.

Ambry Genetics
Classification: Uncertain significance for Inborn genetic diseases. Last evaluated: 2023-08-15. Review status: criteria provided, single submitter. Criteria: Ambry Variant Classification Scheme 2023. Collection method: clinical testing. Allele origin: germline.

NM_173630.4(RTTN):c.4546G>A (p.Glu1516Lys)

Gene: RTTN (rotatin; minus strand). Cytogenetic location: 18q22.2.
Variant type: single nucleotide variant.
Coding change: c.4546G>A on transcript NM_173630.4 (MANE Select); coding-DNA position 4546, G replaced by A.
Protein change: p.Glu1516Lys; replaces glutamic acid 1516 with lysine.
Molecular consequence: missense variant.
Genome position (GRCh38, 1-based): chr18:70,075,370, C>T on the plus strand (G>A on the coding strand, the complement: RTTN is on the minus strand). VCF-style: chr18-70075370-C-T. GRCh37 (hg19) VCF-style: chr18-67742606-C-T.
Other names: c.1810G>A, p.Glu604Lys (NM_001318520.2); short protein forms E1516K, E604K.
Identifiers: ClinVar variation 2618806 (VCV002618806.5), dbSNP rs774347125, ClinGen allele CA8995230.